The following is an entry in ClinVar:

ClinVar aggregate classification (germline): Likely benign. Review status: reviewed by expert panel (3 of 4 stars). 12 submissions from 12 submitters: Likely benign (1). 11 of the submissions do not count toward it. Last evaluated 2023-08-28.

Conditions:
CDH1-related diffuse gastric and lobular breast cancer syndrome. Also called: CDH1-related diffuse gastric and lobular breast cancer. Identifiers: MedGen CN311521, MONDO:0100488.
CDH1-related disorder. Also called: CDH1-related condition.
Hereditary cancer-predisposing syndrome. Also called: Tumor predisposition; Neoplastic Syndromes, Hereditary; Hereditary Cancer Syndrome; Hereditary neoplastic syndrome. Identifiers: Orphanet 140162, MedGen C0027672, MeSH D009386, MONDO:0015356.
Hereditary diffuse gastric adenocarcinoma (HDGC). Also called: DIFFUSE GASTRIC AND LOBULAR BREAST CANCER SYNDROME. Identifiers: Orphanet 26106, MedGen C1708349, MONDO:0007648, OMIM 137215.

Allele frequency attached by ClinVar (database versions not stated): gnomAD 0.00001; gnomAD exomes 0.00001 and 0.00003; TOPMed 0.00002; ExAC 0.00004.
gnomAD v4.1: 20 of 1,614,068 alleles (0.0012%); highest among the groups gnomAD compares: East Asian, 0.016%; no homozygotes.

Submissions (12):

Clingen Gastric Cancer Variant Curation Expert Panel
Classification: Likely benign for CDH1-related diffuse gastric and lobular breast cancer syndrome. Last evaluated: 2023-08-28. Review status: reviewed by expert panel. Criteria: ClinGen CDH1 ACMG Specifications V3.1. Collection method: curation. Allele origin: germline. Inheritance: Autosomal dominant inheritance.
Comment: The NM_004360.5:c.1500C>T (p.Gly500=) variant results in a synonymous amino acid variant within exon 10. This variant is present at an allele frequency of 0.00002828 (8/282862) in gnomAD v2.1.1, with a maximum frequency of 0.0003508 (7/19954) in the East Asian subpopulation. The variant has been observed in more than 10 (97) individuals without DGC, SRC tumours or LBC and whose families do not suggest HDGC (BS2). This variant occurs at a nucleotide that is not predicted to alter splicing or protein function by multiple in silico predictors (BP7, BP4). In summary, this variant meets criteria to be classified as likely benign based on the ACMG/AMP criteria applied as specified by the CDH1 Variant Curation Expert Panel (Variant Interpretation Guidelines Version 3.1): BS2, BP4, BP7.

PreventionGenetics, part of Exact Sciences
Classification: Likely benign for CDH1-related condition. Last evaluated: 2026-04-22. Review status: criteria provided, single submitter. Criteria: ACMG Guidelines, 2015. Collection method: clinical testing. Allele origin: germline. Not counted in ClinVar's aggregate classification.
Comment: This variant is classified as likely benign based on ACMG/AMP sequence variant interpretation guidelines (Richards et al. 2015 PMID: 25741868, with internal and published modifications).

Labcorp Genetics (formerly Invitae), Labcorp
Classification: Likely benign for Hereditary diffuse gastric adenocarcinoma. Last evaluated: 2025-12-14. Review status: criteria provided, single submitter. Criteria: Invitae Variant Classification Sherloc (09022015). Collection method: clinical testing. Allele origin: germline. Not counted in ClinVar's aggregate classification.

Myriad Genetics, Inc.
Classification: Benign for Hereditary diffuse gastric adenocarcinoma. Last evaluated: 2023-03-06. Review status: criteria provided, single submitter. Criteria: Myriad Autosomal Dominant, Autosomal Recessive and X-Linked Classification Criteria (2023). Collection method: clinical testing. Allele origin: unknown. Not counted in ClinVar's aggregate classification.
Comment: This variant is considered benign. This variant is a silent/synonymous amino acid change and it is not expected to impact splicing.

Sema4
Classification: Benign for Hereditary cancer-predisposing syndrome. Last evaluated: 2020-11-29. Review status: criteria provided, single submitter. Criteria: Sema4 Curation Guidelines. Collection method: curation. Allele origin: germline. Not counted in ClinVar's aggregate classification.

CeGaT Center for Human Genetics Tuebingen
Classification: Uncertain significance. Last evaluated: 2019-11-01. Review status: criteria provided, single submitter. Criteria: CeGaT Center For Human Genetics Tuebingen Variant Classification Criteria Version 2. Collection method: clinical testing. Allele origin: germline. Affected: yes. Observed: 2 variant alleles. Not counted in ClinVar's aggregate classification.

GeneDx
Classification: Likely benign. Last evaluated: 2019-09-17. Review status: criteria provided, single submitter. Criteria: GeneDx Variant Classification Process June 2021. Collection method: clinical testing. Allele origin: germline. Affected: yes. Not counted in ClinVar's aggregate classification.
Comment: This variant is associated with the following publications: (PMID: 27616075)

Eurofins Ntd Llc (ga)
Classification: Uncertain significance. Last evaluated: 2018-02-27. Review status: criteria provided, single submitter. Criteria: EGL ClinVar v180209 classification definitions. Collection method: clinical testing. Allele origin: germline. Observed: 1 variant allele, 1 heterozygote. Not counted in ClinVar's aggregate classification.

Color Diagnostics, LLC DBA Color Health
Classification: Likely benign for Hereditary cancer-predisposing syndrome. Last evaluated: 2016-12-23. Review status: criteria provided, single submitter. Criteria: ACMG Guidelines, 2015. Collection method: clinical testing. Allele origin: germline. Not counted in ClinVar's aggregate classification.

Ambry Genetics
Classification: Likely benign for Hereditary cancer-predisposing syndrome. Last evaluated: 2014-10-30. Review status: criteria provided, single submitter. Criteria: Ambry Variant Classification Scheme 2023. Collection method: clinical testing. Allele origin: germline. Not counted in ClinVar's aggregate classification.

True Health Diagnostics
Classification: Likely benign for Hereditary cancer-predisposing syndrome. Last evaluated: 2017-10-10. Review status: no assertion criteria provided. Collection method: clinical testing. Allele origin: germline. Not counted in ClinVar's aggregate classification.

Counsyl
Classification: Likely benign for Hereditary diffuse gastric adenocarcinoma. Last evaluated: 2016-09-09. Review status: no assertion criteria provided. Collection method: clinical testing. Allele origin: unknown. Not counted in ClinVar's aggregate classification.

NM_004360.5(CDH1):c.1500C>T (p.Gly500=)

Gene: CDH1 (cadherin 1; plus strand). Cytogenetic location: 16q22.1.
Variant type: single nucleotide variant.
Coding change: c.1500C>T on transcript NM_004360.5 (MANE Select); coding-DNA position 1500, C replaced by T.
Protein change: p.Gly500=; no amino-acid change (glycine 500 retained).
Molecular consequence: synonymous variant. On other transcripts: 5 prime UTR variant (2).
Genome position (GRCh38, 1-based): chr16:68,815,694, C>T. VCF-style: chr16-68815694-C-T. GRCh37 (hg19) VCF-style: chr16-68849597-C-T.
Other names: NM_004360.5(CDH1):c.1500C>T; p.Gly500=; c.1500C>T (LRG_301t1); c.1317C>T, p.Gly439= (NM_001317184.2); c.-49C>T (NM_001317185.2); c.-320C>T (NM_001317186.2).
Identifiers: ClinVar variation 183803 (VCV000183803.68), dbSNP rs781317341, ClinGen allele CA186535.